The following is an entry in ClinVar:

NM_001122769.3(LCA5):c.790G>T (p.Ala264Ser)

Gene: LCA5 (lebercilin LCA5; minus strand). Cytogenetic location: 6q14.1.
Variant type: single nucleotide variant.
Coding change: c.790G>T on transcript NM_001122769.3 (MANE Select); coding-DNA position 790, G replaced by T.
Protein change: p.Ala264Ser; replaces alanine 264 with serine.
Molecular consequence: missense variant.
Genome position (GRCh38, 1-based): chr6:79,493,681, C>A on the plus strand (G>T on the coding strand, the complement: LCA5 is on the minus strand). VCF-style: chr6-79493681-C-A. GRCh37 (hg19) VCF-style: chr6-80203398-C-A.
Other names: c.790G>T, p.Ala264Ser (NM_181714.4); short protein forms A264S.
Identifiers: ClinVar variation 966021 (VCV000966021.7), dbSNP rs1582618974, ClinGen allele CA364645344.
Genomic context (GRCh38, chr6:79,493,681, plus strand): 5'-TGTGATATAGTCGCTGTACCTCCTTTTGAAGAACTTTATTTTCATCATGAGCCTCATATG[C>A]CCTTTTCCTTTCAGCAAGCAACTGTCGTTGGAAACTGTTAGTACTCAGTTCAAGGTTTTT-3'
Protein context (NP_001116241.1, residues 254-274): QRQLLAERKR[Ala264Ser]YEAHDENKVL

ClinVar aggregate classification (germline): Uncertain significance. Review status: criteria provided, single submitter (1 of 4 stars). 2 submissions from 2 submitters: Uncertain significance (1). 1 of the submissions does not count toward it. Last evaluated 2022-09-13.

Conditions:
Leber congenital amaurosis 5 (LCA5). Also called: Amaurosis congenita of Leber, type 5. Identifiers: Orphanet 65, MedGen C1858301, MONDO:0011473, OMIM 604537.

Submissions (2):

Labcorp Genetics (formerly Invitae), Labcorp
Classification: Uncertain significance. Last evaluated: 2022-09-13. Review status: criteria provided, single submitter. Criteria: Invitae Variant Classification Sherloc (09022015). Collection method: clinical testing. Allele origin: germline.
Comment: This sequence change replaces alanine, which is neutral and non-polar, with serine, which is neutral and polar, at codon 264 of the LCA5 protein (p.Ala264Ser). This variant is not present in population databases (gnomAD no frequency). This variant has not been reported in the literature in individuals affected with LCA5-related conditions. ClinVar contains an entry for this variant (Variation ID: 966021). Advanced modeling of protein sequence and biophysical properties (such as structural, functional, and spatial information, amino acid conservation, physicochemical variation, residue mobility, and thermodynamic stability) performed at Invitae indicates that this missense variant is not expected to disrupt LCA5 protein function. Algorithms developed to predict the effect of sequence changes on RNA splicing suggest that this variant may create or strengthen a splice site. In summary, the available evidence is currently insufficient to determine the role of this variant in disease. Therefore, it has been classified as a Variant of Uncertain Significance.

Natera, Inc.
Classification: Uncertain significance for Leber congenital amaurosis type 5. Last evaluated: 2020-06-12. Review status: no assertion criteria provided. Collection method: clinical testing. Allele origin: germline. Not counted in ClinVar's aggregate classification.